The following is an entry in ClinVar:

ClinVar aggregate classification (germline): Pathogenic/Likely pathogenic. Review status: criteria provided, multiple submitters, no conflicts (2 of 4 stars). 6 submissions from 6 submitters: Pathogenic (3); Likely pathogenic (1). 2 of the submissions do not count toward it. Last evaluated 2024-03-28.

Conditions:
Charcot-Marie-Tooth disease X-linked recessive 4 (CMTX4). Also called: Cowchock syndrome; CHARCOT-MARIE-TOOTH DISEASE, X-LINKED RECESSIVE, 4, WITH OR WITHOUT CEREBELLAR ATAXIA; CHARCOT-MARIE-TOOTH DISEASE WITH DEAFNESS AND MENTAL RETARDATION. Identifiers: Orphanet 101078, MedGen C0795910, MONDO:0010689, OMIM 310490.
AIFM1-related disorder. Also called: AIFM1-related condition.
Charcot-Marie-Tooth Neuropathy X. Identifiers: MedGen CN118851.
Combined oxidative phosphorylation deficiency. Identifiers: MedGen C4540031, MONDO:0000732.
Distal muscle weakness. Identifiers: MedGen C0427065, HP:0002460.
Pes planus. Also called: flatfoot; Flat feet. Identifiers: MedGen C0016202, MONDO:0005293, HP:0001763.
Sensorineural hearing loss disorder. Also called: Sensorineural hearing impairment; Sensorineural Deafness; Sensorineural hearing loss. Identifiers: MedGen C0018784, MeSH D006319, MONDO:0020678, HP:0000407.
Foot dorsiflexor weakness. Identifiers: MedGen C1866141, HP:0009027.

Submissions (6):

Labcorp Genetics (formerly Invitae), Labcorp
Classification: Pathogenic for Charcot-Marie-Tooth Neuropathy X; Combined oxidative phosphorylation deficiency. Last evaluated: 2024-03-28. Review status: criteria provided, single submitter. Criteria: Invitae Variant Classification Sherloc (09022015). Collection method: clinical testing. Allele origin: germline.
Comment: This sequence change replaces methionine, which is neutral and non-polar, with threonine, which is neutral and polar, at codon 340 of the AIFM1 protein (p.Met340Thr). This variant is not present in population databases (gnomAD no frequency). This missense change has been observed in individuals with clinical features of Charcot-Marie-Tooth disease (PMID: 25590979, 28967629, 31523922). It has also been observed to segregate with disease in related individuals. ClinVar contains an entry for this variant (Variation ID: 374094). Advanced modeling of protein sequence and biophysical properties (such as structural, functional, and spatial information, amino acid conservation, physicochemical variation, residue mobility, and thermodynamic stability) performed at Invitae indicates that this missense variant is expected to disrupt AIFM1 protein function with a positive predictive value of 80%. For these reasons, this variant has been classified as Pathogenic.

Blueprint Genetics
Classification: Pathogenic for AIFM1-related disorders. Last evaluated: 2020-12-03. Review status: criteria provided, single submitter. Criteria: ACMG Guidelines, 2015. Collection method: clinical testing. Allele origin: germline. Affected: yes. Observed: 2 variant alleles.

CeGaT Center for Human Genetics Tuebingen
Classification: Pathogenic. Last evaluated: 2020-12-01. Review status: criteria provided, single submitter. Criteria: CeGaT Center For Human Genetics Tuebingen Variant Classification Criteria Version 2. Collection method: clinical testing. Allele origin: germline. Affected: yes. Observed: 1 variant allele.

Centre for Mendelian Genomics, University Medical Centre Ljubljana
Classification: Likely pathogenic for Distal muscle weakness; Foot dorsiflexor weakness; Pes planus; Sensorineural hearing loss disorder. Last evaluated: 2015-08-06. Review status: criteria provided, single submitter. Criteria: ACMG Guidelines, 2015. Collection method: clinical testing. Allele origin: unknown. Affected: yes.

OMIM
Classification: Pathogenic for CHARCOT-MARIE-TOOTH DISEASE, X-LINKED RECESSIVE, 4, WITH CEREBELLAR ATAXIA. Last evaluated: 2019-12-10. Review status: no assertion criteria provided. Collection method: literature only. Allele origin: germline. Not counted in ClinVar's aggregate classification.

Inherited Neuropathy Consortium
Classification: Uncertain significance for Cowchock syndrome. Review status: no assertion criteria provided. Collection method: literature only. Allele origin: germline. Affected: yes. Not counted in ClinVar's aggregate classification.

Literature cited by the submitters: PubMed 25590979 (cited by Labcorp Genetics (formerly Invitae), Labcorp and Inherited Neuropathy Consortium); PubMed 28967629 (cited by Labcorp Genetics (formerly Invitae), Labcorp and OMIM); PubMed 31523922 (cited by Labcorp Genetics (formerly Invitae), Labcorp and OMIM).

NM_004208.4(AIFM1):c.1019T>C (p.Met340Thr)

Genes: AIFM1 (apoptosis inducing factor mitochondria associated 1; minus strand), RAB33A (RAB33A, member RAS oncogene family; plus strand). Cytogenetic location: Xq26.1.
Variant type: single nucleotide variant.
Coding change: c.1019T>C on transcript NM_004208.4 (MANE Select); coding-DNA position 1019, T replaced by C.
Protein change: p.Met340Thr; replaces methionine 340 with threonine.
Molecular consequence: missense variant. On other transcripts: initiator codon variant (1), 3 prime UTR variant (1), non-coding transcript variant (1).
Genome position (GRCh38, 1-based): chrX:130,137,134, A>G on the plus strand (T>C on the coding strand, the complement: AIFM1 is on the minus strand). VCF-style: chrX-130137134-A-G. GRCh37 (hg19) VCF-style: chrX-129271109-A-G.
Other names: c.2T>C, p.Met1Thr (NM_001130846.4); c.*247T>C (NM_001130847.4); c.1007T>C, p.Met336Thr (NM_145812.3); short protein forms M340T, M1T, M336T.
Identifiers: ClinVar variation 374094 (VCV000374094.53), dbSNP rs1057518895, ClinGen allele CA16043577.